The following is an entry in ClinVar:

NM_014714.4(IFT140):c.3422G>A (p.Arg1141Lys)

Gene: IFT140 (intraflagellar transport 140; minus strand). Cytogenetic location: 16p13.3.
Variant type: single nucleotide variant.
Coding change: c.3422G>A on transcript NM_014714.4 (MANE Select); coding-DNA position 3422, G replaced by A.
Protein change: p.Arg1141Lys; replaces arginine 1141 with lysine.
Molecular consequence: missense variant.
Genome position (GRCh38, 1-based): chr16:1,523,549, C>T on the plus strand (G>A on the coding strand, the complement: IFT140 is on the minus strand). VCF-style: chr16-1523549-C-T. GRCh37 (hg19) VCF-style: chr16-1573550-C-T.
Other names: short protein forms R1141K.
Identifiers: ClinVar variation 2115249 (VCV002115249.4), dbSNP rs1244653179, ClinGen allele CA394225204.

ClinVar aggregate classification (germline): Uncertain significance (1 of 4 stars; one submission).

Conditions:
Saldino-Mainzer syndrome (SRTD9). Also called: CONORENAL SYNDROME; Renal dysplasia, retinal pigmentary dystrophy, cerebellar ataxia and skeletal dysplasia; SHORT-RIB THORACIC DYSPLASIA 9 WITHOUT POLYDACTYLY; short-rib thoracic dysplasia 9 with or without polydactyly. Identifiers: Orphanet 140969, MedGen C1849437, MONDO:0009964, OMIM 266920.

Submission:

Labcorp Genetics (formerly Invitae), Labcorp
Classification: Uncertain significance for Saldino-Mainzer syndrome. Last evaluated: 2022-03-20. Review status: criteria provided, single submitter. Criteria: Invitae Variant Classification Sherloc (09022015). Collection method: clinical testing. Allele origin: germline.
Comment: This sequence change replaces arginine, which is basic and polar, with lysine, which is basic and polar, at codon 1141 of the IFT140 protein (p.Arg1141Lys). In summary, the available evidence is currently insufficient to determine the role of this variant in disease. Therefore, it has been classified as a Variant of Uncertain Significance. Algorithms developed to predict the effect of sequence changes on RNA splicing suggest that this variant may disrupt the consensus splice site. Algorithms developed to predict the effect of missense changes on protein structure and function output the following: SIFT: "Tolerated"; PolyPhen-2: "Benign"; Align-GVGD: "Class C0". The lysine amino acid residue is found in multiple mammalian species, which suggests that this missense change does not adversely affect protein function. This variant has not been reported in the literature in individuals affected with IFT140-related conditions. This variant is not present in population databases (gnomAD no frequency).